The following is an entry in ClinVar:

ClinVar aggregate classification (germline): Uncertain significance (1 of 4 stars; one submission).

Submission:

GeneDx
Classification: Uncertain significance. Last evaluated: 2019-05-28. Review status: criteria provided, single submitter. Criteria: GeneDx Variant Classification Process June 2021. Collection method: clinical testing. Allele origin: germline. Affected: yes.
Comment: Not observed in large population cohorts (Lek et al., 2016); In silico analysis, which includes protein predictors and evolutionary conservation, supports that this variant does not alter protein structure/function; Has not been previously published as pathogenic or benign to our knowledge

NM_182961.4(SYNE1):c.5633C>T (p.Ala1878Val)

Gene: SYNE1 (spectrin repeat containing nuclear envelope protein 1; minus strand). Cytogenetic location: 6q25.2.
Variant type: single nucleotide variant.
Coding change: c.5633C>T on transcript NM_182961.4 (MANE Select); coding-DNA position 5633, C replaced by T.
Protein change: p.Ala1878Val; replaces alanine 1878 with valine.
Molecular consequence: missense variant.
Genome position (GRCh38, 1-based): chr6:152,416,804, G>A on the plus strand (C>T on the coding strand, the complement: SYNE1 is on the minus strand). VCF-style: chr6-152416804-G-A. GRCh37 (hg19) VCF-style: chr6-152737939-G-A.
Other names: c.5654C>T, p.Ala1885Val (NM_033071.5); short protein forms A1878V, A1885V.
Identifiers: ClinVar variation 1306105 (VCV001306105.2), dbSNP rs2154182409, ClinGen allele CA366133510.